The following is an entry in ClinVar:

NM_032242.4(PLXNA1):c.837G>A (p.Thr279=)

Gene: PLXNA1 (plexin A1; plus strand). Cytogenetic location: 3q21.3.
Variant type: single nucleotide variant.
Coding change: c.837G>A on transcript NM_032242.4 (MANE Select); coding-DNA position 837, G replaced by A.
Protein change: p.Thr279=; no amino-acid change (threonine 279 retained).
Molecular consequence: synonymous variant.
Genome position (GRCh38, 1-based): chr3:126,989,430, G>A. VCF-style: chr3-126989430-G-A. GRCh37 (hg19) VCF-style: chr3-126708273-G-A.
Identifiers: ClinVar variation 3035917 (VCV003035917.2), dbSNP rs758015230, ClinGen allele CA2593059.

ClinVar aggregate classification (germline): Likely benign (0 of 4 stars; one submission).

Conditions:
PLXNA1-related disorder. Also called: PLXNA1-related condition.

Allele frequency attached by ClinVar (database versions not stated): gnomAD 0.00002; TOPMed 0.00002; gnomAD exomes 0.00004; ExAC 0.00009.
gnomAD v4.1: 72 of 1,613,472 alleles (0.0045%); highest among the groups gnomAD compares: South Asian, 0.055%; no homozygotes.

Submission:

PreventionGenetics, part of Exact Sciences
Classification: Likely benign for PLXNA1-related condition. Last evaluated: 2022-03-18. Review status: no assertion criteria provided. Collection method: clinical testing. Allele origin: germline.
Comment: This variant is classified as likely benign based on ACMG/AMP sequence variant interpretation guidelines (Richards et al. 2015 PMID: 25741868, with internal and published modifications).